The following is an entry in ClinVar:

NM_002439.5(MSH3):c.650C>T (p.Ala217Val)

Gene: MSH3 (mutS homolog 3; plus strand). Cytogenetic location: 5q14.1.
Variant type: single nucleotide variant.
Coding change: c.650C>T on transcript NM_002439.5 (MANE Select); coding-DNA position 650, C replaced by T.
Protein change: p.Ala217Val; replaces alanine 217 with valine.
Molecular consequence: missense variant.
Genome position (GRCh38, 1-based): chr5:80,670,167, C>T. VCF-style: chr5-80670167-C-T. GRCh37 (hg19) VCF-style: chr5-79965986-C-T.
Other names: short protein forms A217V.
Identifiers: ClinVar variation 644479 (VCV000644479.13), dbSNP rs780393317, ClinGen allele CA3327664.

ClinVar aggregate classification (germline): Uncertain significance. Review status: criteria provided, multiple submitters, no conflicts (2 of 4 stars). 3 submissions from 3 submitters: Uncertain significance (3). Last evaluated 2026-01-10.

Conditions:
Hereditary cancer-predisposing syndrome. Also called: Neoplastic Syndromes, Hereditary; Tumor predisposition; Hereditary neoplastic syndrome; Hereditary Cancer Syndrome. Identifiers: Orphanet 140162, MedGen C0027672, MeSH D009386, MONDO:0015356.
Endometrial carcinoma. Also called: Endometrial carcinoma, somatic. Identifiers: MedGen C0476089, MONDO:0002447, OMIM 608089, HP:0012114.

Allele frequency attached by ClinVar (database versions not stated): TOPMed below 0.00001; gnomAD exomes 0.00001 and 0.00002; ExAC 0.00002.
gnomAD v4.1: 3 of 1,614,132 alleles (0.00019%); highest among the groups gnomAD compares: Admixed American, 0.005%; no homozygotes.

Submissions (3):

Labcorp Genetics (formerly Invitae), Labcorp
Classification: Uncertain significance. Last evaluated: 2026-01-10. Review status: criteria provided, single submitter. Criteria: Invitae Variant Classification Sherloc (09022015). Collection method: clinical testing. Allele origin: germline.
Comment: This sequence change replaces alanine, which is neutral and non-polar, with valine, which is neutral and non-polar, at codon 217 of the MSH3 protein (p.Ala217Val). This variant is present in population databases (rs780393317, gnomAD 0.01%). This variant has not been reported in the literature in individuals affected with MSH3-related conditions. ClinVar contains an entry for this variant (Variation ID: 644479). An algorithm developed to predict the effect of missense changes on protein structure and function (PolyPhen-2) suggests that this variant is likely to be tolerated. In summary, the available evidence is currently insufficient to determine the role of this variant in disease. Therefore, it has been classified as a Variant of Uncertain Significance.

Ambry Genetics
Classification: Uncertain significance for Hereditary cancer-predisposing syndrome. Last evaluated: 2025-07-12. Review status: criteria provided, single submitter. Criteria: Ambry Variant Classification Scheme 2023. Collection method: clinical testing. Allele origin: germline.
Comment: The p.A217V variant (also known as c.650C>T), located in coding exon 4 of the MSH3 gene, results from a C to T substitution at nucleotide position 650. The alanine at codon 217 is replaced by valine, an amino acid with similar properties. This amino acid position is poorly conserved in available vertebrate species. In addition, this alteration is predicted to be tolerated by in silico analysis. Since supporting evidence is limited at this time, the clinical significance of this alteration remains unclear.

Baylor Genetics
Classification: Uncertain significance for Endometrial carcinoma. Last evaluated: 2024-03-09. Review status: criteria provided, single submitter. Criteria: ACMG Guidelines, 2015. Collection method: clinical testing. Allele origin: unknown.